The following is an entry in ClinVar:

NM_198428.3(BBS9):c.540G>T (p.Leu180=)

Gene: BBS9 (Bardet-Biedl syndrome 9; plus strand). Cytogenetic location: 7p14.3.
Variant type: single nucleotide variant.
Coding change: c.540G>T on transcript NM_198428.3 (MANE Select); coding-DNA position 540, G replaced by T.
Protein change: p.Leu180=; no amino-acid change (leucine 180 retained).
Molecular consequence: synonymous variant. On other transcripts: non-coding transcript variant (3).
Genome position (GRCh38, 1-based): chr7:33,257,333, G>T. VCF-style: chr7-33257333-G-T. GRCh37 (hg19) VCF-style: chr7-33296945-G-T.
Other names: c.540G>T (NM_198428.2); c.540G>T, p.Leu180= (NM_001033604.2, NM_001033605.2, NM_001348036.1 and 7 more transcripts); c.174G>T, p.Leu58= (NM_001348037.3, NM_001348044.3, NM_001348045.3 and 1 more transcripts); c.267G>T, p.Leu89= (NM_001348038.3, NM_001348039.3); c.405G>T, p.Leu135= (NM_001348042.3).
Identifiers: ClinVar variation 2030526 (VCV002030526.5), dbSNP rs1368889257, ClinGen allele CA454455562.

ClinVar aggregate classification (germline): Likely benign. Review status: criteria provided, multiple submitters, no conflicts (2 of 4 stars). 2 submissions from 2 submitters: Likely benign (2). Last evaluated 2026-05-16.

Conditions:
Bardet-Biedl syndrome (BBS). Identifiers: Orphanet 110, MedGen C0752166, MONDO:0015229.
BBS9-related disorder. Also called: BBS9-related condition.

gnomAD v4.1: 2 of 1,613,914 alleles (0.00012%); highest among the groups gnomAD compares: South Asian, 0.0022%; no homozygotes.

Submissions (2):

PreventionGenetics, part of Exact Sciences
Classification: Likely benign for BBS9-related condition. Last evaluated: 2026-05-16. Review status: criteria provided, single submitter. Criteria: ACMG Guidelines, 2015. Collection method: clinical testing. Allele origin: germline.
Comment: This variant is classified as likely benign based on ACMG/AMP sequence variant interpretation guidelines (Richards et al. 2015 PMID: 25741868, with internal and published modifications).

Labcorp Genetics (formerly Invitae), Labcorp
Classification: Likely benign for Bardet-Biedl syndrome. Last evaluated: 2022-09-14. Review status: criteria provided, single submitter. Criteria: Invitae Variant Classification Sherloc (09022015). Collection method: clinical testing. Allele origin: germline.